The following is an entry in ClinVar:

NM_001130144.3(LTBP3):c.1621+4A>C

Gene: LTBP3 (latent transforming growth factor beta binding protein 3; minus strand). Cytogenetic location: 11q13.1.
Variant type: single nucleotide variant.
Coding change: c.1621+4A>C on transcript NM_001130144.3 (MANE Select); 4 bases into the intron after coding-DNA position 1621, A replaced by C.
Molecular consequence: intron variant.
Genome position (GRCh38, 1-based): chr11:65,551,398, T>G on the plus strand (A>C on the coding strand, the complement: LTBP3 is on the minus strand). VCF-style: chr11-65551398-T-G. GRCh37 (hg19) VCF-style: chr11-65318869-T-G.
Other names: c.1270+4A>C (NM_001164266.1); c.1621+4A>C (NM_021070.4).
Identifiers: ClinVar variation 3012802 (VCV003012802.3), dbSNP rs1326734576, ClinGen allele CA679338207.

ClinVar aggregate classification (germline): Uncertain significance (1 of 4 stars; one submission).

Conditions:
Brachyolmia-amelogenesis imperfecta syndrome. Also called: PLATYSPONDYLY WITH AMELOGENESIS IMPERFECTA; Tooth agenesis, selective, 6; Dental anomalies and short stature. Identifiers: Orphanet 2899, MedGen C1832594, MONDO:0011018, OMIM 601216. Disease mechanism: loss of function.

Allele frequency attached by ClinVar (database versions not stated): gnomAD exomes 0.00001; TOPMed 0.00001; gnomAD 0.00002.
gnomAD v4.1: 24 of 1,612,618 alleles (0.0015%); highest among the groups gnomAD compares: Non-Finnish European, 0.0019%; no homozygotes.

Submission:

Labcorp Genetics (formerly Invitae), Labcorp
Classification: Uncertain significance for Brachyolmia-amelogenesis imperfecta syndrome. Last evaluated: 2025-01-15. Review status: criteria provided, single submitter. Criteria: Invitae Variant Classification Sherloc (09022015). Collection method: clinical testing. Allele origin: germline.
Comment: This sequence change falls in intron 10 of the LTBP3 gene. It does not directly change the encoded amino acid sequence of the LTBP3 protein. It affects a nucleotide within the consensus splice site. This variant is not present in population databases (gnomAD no frequency). This variant has not been reported in the literature in individuals affected with LTBP3-related conditions. ClinVar contains an entry for this variant (Variation ID: 3012802). Variants that disrupt the consensus splice site are a relatively common cause of aberrant splicing (PMID: 17576681, 9536098). Algorithms developed to predict the effect of sequence changes on RNA splicing suggest that this variant may disrupt the consensus splice site. In summary, the available evidence is currently insufficient to determine the role of this variant in disease. Therefore, it has been classified as a Variant of Uncertain Significance.

Literature cited by the submitters: PubMed 17576681; PubMed 9536098.